The following is an entry in ClinVar:

ClinVar aggregate classification (germline): Pathogenic (0 of 4 stars; one submission).

Conditions:
Autism spectrum disorder. Also called: Autism spectrum disorders. Identifiers: MedGen C1510586, MeSH D000067877, MONDO:0005258.

Submission:

Department of Medical Genetics, Capital Institute of Pediatrics
Classification: Pathogenic for Autism Spectrum Disorder. Last evaluated: 2024-07-03. Review status: no assertion criteria provided. Collection method: research. Allele origin: de novo. Affected: yes.
Comment: PVS1+PM2_Supporting+PS2

Literature cited by the submitters: PubMed 39419027.

NM_001039469.3(MARK2):c.1101+1G>A

Gene: MARK2 (microtubule affinity regulating kinase 2; plus strand). Cytogenetic location: 11q13.1.
Variant type: single nucleotide variant.
Coding change: c.1101+1G>A on transcript NM_001039469.3 (MANE Select); the canonical splice donor site of the intron after coding-DNA position 1101, G replaced by A.
Molecular consequence: splice donor variant.
Genome position (GRCh38, 1-based): chr11:63,901,070, G>A. VCF-style: chr11-63901070-G-A. GRCh37 (hg19) VCF-style: chr11-63668542-G-A.
Other names: c.1101+1G>A (NM_001163296.2, NM_004954.5, NM_001163297.2); c.1002+1G>A (NM_017490.4).
Identifiers: ClinVar variation 3253628 (VCV003253628.2), dbSNP rs1940823816.